The following is an entry in ClinVar:

ClinVar aggregate classification (germline): Likely benign (1 of 4 stars; one submission).

Allele frequency attached by ClinVar (database versions not stated): 1000 Genomes Project 0.00280; 1000 Genomes Project 30x 0.00328; ESP Exome Variant Server 0.00415.
gnomAD v4.1: 8,928 of 1,610,928 alleles (0.55%); highest among the groups gnomAD compares: South Asian, 0.79%; 42 homozygotes.

Submission:

CeGaT Center for Human Genetics Tuebingen
Classification: Likely benign. Last evaluated: 2026-07-01. Review status: criteria provided, single submitter. Criteria: CeGaT Center For Human Genetics Tuebingen Variant Classification Criteria Version 2. Collection method: clinical testing. Allele origin: germline. Affected: yes. Observed: 12 variant alleles.
Comment: HLA-DPA1: BP4, BS2

NM_033554.4(HLA-DPA1):c.177A>C (p.Glu59Asp)

Gene: HLA-DPA1 (major histocompatibility complex, class II, DP alpha 1; minus strand). Cytogenetic location: 6p21.32.
Variant type: single nucleotide variant.
Coding change: c.177A>C on transcript NM_033554.4 (MANE Select); coding-DNA position 177, A replaced by C.
Protein change: p.Glu59Asp; replaces glutamic acid 59 with aspartic acid.
Molecular consequence: missense variant.
Genome position (GRCh38, 1-based): chr6:33,069,810, T>G on the plus strand (A>C on the coding strand, the complement: HLA-DPA1 is on the minus strand). VCF-style: chr6-33069810-T-G. GRCh37 (hg19) VCF-style: chr6-33037587-T-G.
Other names: c.177A>C, p.Glu59Asp (NM_001242524.2, NM_001242525.2, NM_001405020.1); short protein forms E59D.
Identifiers: ClinVar variation 2656480 (VCV002656480.24), dbSNP rs2308910, ClinGen allele CA3749382.